The following is an entry in ClinVar:

NM_024675.4(PALB2):c.2787T>C (p.Tyr929=)

Gene: PALB2 (partner and localizer of BRCA2; minus strand). Cytogenetic location: 16p12.2.
Variant type: single nucleotide variant.
Coding change: c.2787T>C on transcript NM_024675.4 (MANE Select); coding-DNA position 2787, T replaced by C.
Protein change: p.Tyr929=; no amino-acid change (tyrosine 929 retained).
Molecular consequence: synonymous variant.
Genome position (GRCh38, 1-based): chr16:23,624,056, A>G on the plus strand (T>C on the coding strand, the complement: PALB2 is on the minus strand). VCF-style: chr16-23624056-A-G. GRCh37 (hg19) VCF-style: chr16-23635377-A-G.
Identifiers: ClinVar variation 233829 (VCV000233829.16), dbSNP rs876660669, ClinGen allele CA10579951.

ClinVar aggregate classification (germline): Benign/Likely benign. Review status: criteria provided, multiple submitters, no conflicts (2 of 4 stars). 3 submissions from 3 submitters: Benign (1); Likely benign (2). Last evaluated 2025-03-30.

Conditions:
Familial cancer of breast. Also called: BREAST CANCER, FAMILIAL; hereditary breast carcinoma; Hereditary breast cancer. Identifiers: Orphanet 227535, MedGen C0346153, MONDO:0016419, OMIM 114480. Disease mechanism: loss of function.
Hereditary cancer-predisposing syndrome. Also called: Neoplastic Syndromes, Hereditary; Tumor predisposition; Hereditary Cancer Syndrome; Hereditary neoplastic syndrome. Identifiers: Orphanet 140162, MedGen C0027672, MeSH D009386, MONDO:0015356.

Allele frequency attached by ClinVar (database versions not stated): TOPMed below 0.00001.

Submissions (3):

Labcorp Genetics (formerly Invitae), Labcorp
Classification: Likely benign for Familial cancer of breast. Last evaluated: 2025-03-30. Review status: criteria provided, single submitter. Criteria: Invitae Variant Classification Sherloc (09022015). Collection method: clinical testing. Allele origin: germline.

Myriad Genetics, Inc.
Classification: Benign for Familial cancer of breast. Last evaluated: 2025-01-17. Review status: criteria provided, single submitter. Criteria: Myriad Autosomal Dominant, Autosomal Recessive and X-Linked Classification Criteria (2023). Collection method: clinical testing. Allele origin: unknown.
Comment: This variant is considered benign. This variant is a silent/synonymous amino acid change and it is not expected to impact splicing.

Ambry Genetics
Classification: Likely benign for Hereditary cancer-predisposing syndrome. Last evaluated: 2015-09-13. Review status: criteria provided, single submitter. Criteria: Ambry Variant Classification Scheme 2023. Collection method: clinical testing. Allele origin: germline.